The following is an entry in ClinVar:

ClinVar aggregate classification (germline): Benign (1 of 4 stars; one submission).

Conditions:
Mitochondrial disease. Also called: Mitochondrial disorders; Mitochondrial disorder. Identifiers: Orphanet 68380, MedGen C0751651, MeSH D028361, MONDO:0044970.

gnomAD v4.1: 6,708 of 152,252 alleles (4.4%); highest among the groups gnomAD compares: South Asian, 16%; 321 homozygotes.

Submission:

Genomenon, Inc
Classification: Benign for Mitochondrial disease. Last evaluated: 2025-11-24. Review status: criteria provided, single submitter. Criteria: Genomenon Sequence Variant Interpretation Standards - Updated. Collection method: curation. Allele origin: germline. Affected: no.
Comment: TK2 c.156+742G>A is a deeply intronic variant located in intron 2. This variant is present at a high allele frequency in population databases. In conclusion, we classify TK2 c.156+742G>A as a benign variant.

NM_004614.5(TK2):c.156+742G>A

Gene: TK2 (thymidine kinase 2; minus strand). Cytogenetic location: 16q21.
Variant type: single nucleotide variant.
Coding change: c.156+742G>A on transcript NM_004614.5 (MANE Select); 742 bases into the intron after coding-DNA position 156, G replaced by A.
Molecular consequence: intron variant.
Genome position (GRCh38, 1-based): chr16:66,548,236, C>T on the plus strand (G>A on the coding strand, the complement: TK2 is on the minus strand). VCF-style: chr16-66548236-C-T. GRCh37 (hg19) VCF-style: chr16-66582139-C-T.
Other names: c.63+742G>A (NM_001271935.1, NM_001172643.1); c.156+742G>A (NM_001172644.2, NM_001172645.2); c.-86-171G>A (NM_001271934.2); c.-136+742G>A (NM_001272050.2).
Identifiers: ClinVar variation 3778873 (VCV003778873.2).
Genomic context (GRCh38, chr16:66,548,236, plus strand): 5'-CTTCCACAAATCTCAAGCATTTCAATCCTCTCTATGTGGTTTCACTACTTCCCAAGAGCT[C>T]TCCACCACCCTGAGTACGCTGGGGGCCTGCCCGCACTGTCTACCCTCTGCAGATCCCAGC-3'